The following is an entry in ClinVar:

NM_003754.3(EIF3F):c.435+7G>A

Gene: EIF3F (eukaryotic translation initiation factor 3 subunit F; plus strand). Cytogenetic location: 11p15.4.
Variant type: single nucleotide variant.
Coding change: c.435+7G>A on transcript NM_003754.3 (MANE Select); 7 bases into the intron after coding-DNA position 435, G replaced by A.
Molecular consequence: intron variant.
Genome position (GRCh38, 1-based): chr11:7,991,858, G>A. VCF-style: chr11-7991858-G-A. GRCh37 (hg19) VCF-style: chr11-8013405-G-A.
Identifiers: ClinVar variation 3347826 (VCV003347826.1).

ClinVar aggregate classification (germline): Likely benign (0 of 4 stars; one submission).

Conditions:
EIF3F-related disorder. Also called: EIF3F-related condition.

Submission:

PreventionGenetics, part of Exact Sciences
Classification: Likely benign for EIF3F-related condition. Last evaluated: 2024-06-19. Review status: no assertion criteria provided. Collection method: clinical testing. Allele origin: germline.
Comment: This variant is classified as likely benign based on ACMG/AMP sequence variant interpretation guidelines (Richards et al. 2015 PMID: 25741868, with internal and published modifications).